The following is an entry in ClinVar:

NM_000081.4(LYST):c.7181A>G (p.Glu2394Gly)

Gene: LYST (lysosomal trafficking regulator; minus strand). Cytogenetic location: 1q42.3.
Variant type: single nucleotide variant.
Coding change: c.7181A>G on transcript NM_000081.4 (MANE Select); coding-DNA position 7181, A replaced by G.
Protein change: p.Glu2394Gly; replaces glutamic acid 2394 with glycine.
Molecular consequence: missense variant.
Genome position (GRCh38, 1-based): chr1:235,755,526, T>C on the plus strand (A>G on the coding strand, the complement: LYST is on the minus strand). VCF-style: chr1-235755526-T-C. GRCh37 (hg19) VCF-style: chr1-235918826-T-C.
Other names: c.7181A>G, p.Glu2394Gly (NM_001301365.1); short protein forms E2394G.
Identifiers: ClinVar variation 648282 (VCV000648282.3), dbSNP rs370725333, ClinGen allele CA1466210.

ClinVar aggregate classification (germline): Uncertain significance (1 of 4 stars; one submission).

Conditions:
Chédiak-Higashi syndrome (CHS). Also called: Chediak-Higashi Syndrome. Identifiers: Orphanet 167, MedGen C0007965, MONDO:0008963, OMIM 214500.

Allele frequency attached by ClinVar (database versions not stated): gnomAD exomes 0.00001; TOPMed 0.00001; ExAC 0.00002; gnomAD 0.00003; ESP Exome Variant Server 0.00008.
gnomAD v4.1: 21 of 1,613,782 alleles (0.0013%); highest among the groups gnomAD compares: Non-Finnish European, 0.0017%; no homozygotes.

Submission:

Labcorp Genetics (formerly Invitae), Labcorp
Classification: Uncertain significance for Chédiak-Higashi syndrome. Last evaluated: 2022-05-04. Review status: criteria provided, single submitter. Criteria: Invitae Variant Classification Sherloc (09022015). Collection method: clinical testing. Allele origin: germline.
Comment: This sequence change replaces glutamic acid, which is acidic and polar, with glycine, which is neutral and non-polar, at codon 2394 of the LYST protein (p.Glu2394Gly). This variant is present in population databases (rs370725333, gnomAD 0.004%). This variant has not been reported in the literature in individuals affected with LYST-related conditions. ClinVar contains an entry for this variant (Variation ID: 648282). Algorithms developed to predict the effect of missense changes on protein structure and function are either unavailable or do not agree on the potential impact of this missense change (SIFT: "Tolerated"; PolyPhen-2: "Possibly Damaging"; Align-GVGD: "Class C0"). In summary, the available evidence is currently insufficient to determine the role of this variant in disease. Therefore, it has been classified as a Variant of Uncertain Significance.